The following is an entry in ClinVar:

ClinVar aggregate classification (germline): Uncertain significance (1 of 4 stars; one submission).

Conditions:
Inborn genetic diseases. Identifiers: MedGen C0950123, MeSH D030342.

Submission:

Ambry Genetics
Classification: Uncertain significance for Inborn genetic diseases. Last evaluated: 2025-09-19. Review status: criteria provided, single submitter. Criteria: Ambry Variant Classification Scheme 2023. Collection method: clinical testing. Allele origin: germline.
Comment: The p.L196Q variant (also known as c.587T>A), located in coding exon 7 of the DDX41 gene, results from a T to A substitution at nucleotide position 587. The leucine at codon 196 is replaced by glutamine, an amino acid with dissimilar properties. This amino acid position is conserved. In addition, this alteration is predicted to be deleterious by in silico analysis. Based on the available evidence, the clinical significance of this variant remains unclear.

NM_016222.4(DDX41):c.587T>A (p.Leu196Gln)

Gene: DDX41 (DEAD-box helicase 41; minus strand). Cytogenetic location: 5q35.3.
Variant type: single nucleotide variant.
Coding change: c.587T>A on transcript NM_016222.4 (MANE Select); coding-DNA position 587, T replaced by A.
Protein change: p.Leu196Gln; replaces leucine 196 with glutamine.
Molecular consequence: missense variant.
Genome position (GRCh38, 1-based): chr5:177,515,243, A>T on the plus strand (T>A on the coding strand, the complement: DDX41 is on the minus strand). VCF-style: chr5-177515243-A-T. GRCh37 (hg19) VCF-style: chr5-176942244-A-T.
Other names: c.209T>A, p.Leu70Gln (NM_001321732.2, NM_001321830.2); short protein forms L70Q, L196Q.
Identifiers: ClinVar variation 4617126 (VCV004617126.1).
Genomic context (GRCh38, chr5:177,515,243, plus strand): 5'-CACATGGTGGGGATGCCCTGGATCTGAATGGGTGTTGGGTGGTGAATGCCTTTCTTCTTC[A>T]GGCCTCTCAGGATGGCTATGAAAACCAACCGACATCGTCTTCATGACTCACAGGTACTTT-3'
Protein context (NP_057306.2, residues 186-206): MKFPAAILRG[Leu196Gln]KKKGIHHPTP